The following is an entry in ClinVar:

ClinVar aggregate classification (germline): Uncertain significance (1 of 4 stars; one submission).

Conditions:
Hereditary cancer-predisposing syndrome. Also called: Tumor predisposition; Neoplastic Syndromes, Hereditary; Hereditary neoplastic syndrome; Hereditary Cancer Syndrome. Identifiers: Orphanet 140162, MedGen C0027672, MeSH D009386, MONDO:0015356.

Submission:

Ambry Genetics
Classification: Uncertain significance for Hereditary cancer-predisposing syndrome. Last evaluated: 2024-09-25. Review status: criteria provided, single submitter. Criteria: Ambry Variant Classification Scheme 2023. Collection method: clinical testing. Allele origin: germline.
Comment: The p.L1408R variant (also known as c.4223T>G), located in coding exon 27 of the ATM gene, results from a T to G substitution at nucleotide position 4223. The leucine at codon 1408 is replaced by arginine, an amino acid with dissimilar properties. This amino acid position is conserved. In addition, this alteration is predicted to be deleterious by in silico analysis. Based on the available evidence, the clinical significance of this variant remains unclear.

NM_000051.4(ATM):c.4223T>G (p.Leu1408Arg)

Gene: ATM (ATM serine/threonine kinase; plus strand). Cytogenetic location: 11q22.3.
Variant type: single nucleotide variant.
Coding change: c.4223T>G on transcript NM_000051.4 (MANE Select); coding-DNA position 4223, T replaced by G.
Protein change: p.Leu1408Arg; replaces leucine 1408 with arginine.
Molecular consequence: missense variant.
Genome position (GRCh38, 1-based): chr11:108,289,090, T>G. VCF-style: chr11-108289090-T-G. GRCh37 (hg19) VCF-style: chr11-108159817-T-G.
Other names: c.4223T>G, p.Leu1408Arg (NM_001351834.2); short protein forms L1408R.
Identifiers: ClinVar variation 3451528 (VCV003451528.1).